The following is an entry in ClinVar:

ClinVar aggregate classification (germline): Uncertain significance. Review status: criteria provided, multiple submitters, no conflicts (2 of 4 stars). 3 submissions from 3 submitters: Uncertain significance (3). Last evaluated 2025-03-13.

Conditions:
Inborn genetic diseases. Identifiers: MedGen C0950123, MeSH D030342.

Allele frequency attached by ClinVar (database versions not stated): TOPMed below 0.00001.

Submissions (3):

GeneDx
Classification: Uncertain significance. Last evaluated: 2025-03-13. Review status: criteria provided, single submitter. Criteria: GeneDx Variant Classification Process June 2021. Collection method: clinical testing. Allele origin: germline. Affected: yes.
Comment: Identified in a patient with developmental delay, behavioral issues, sleep disturbance, and distinctive facial features in the published literature, however this individual also harbored a variant in a different gene that may have contributed to these features (PMID: 38387458); Not observed at significant frequency in large population cohorts (gnomAD); In silico analysis supports that this missense variant has a deleterious effect on protein structure/function; This variant is associated with the following publications: (PMID: 38387458)

Labcorp Genetics (formerly Invitae), Labcorp
Classification: Uncertain significance. Last evaluated: 2024-11-23. Review status: criteria provided, single submitter. Criteria: Invitae Variant Classification Sherloc (09022015). Collection method: clinical testing. Allele origin: germline.
Comment: This sequence change replaces lysine, which is basic and polar, with glutamic acid, which is acidic and polar, at codon 1512 of the COL11A1 protein (p.Lys1512Glu). This variant is not present in population databases (gnomAD no frequency). This variant has not been reported in the literature in individuals affected with COL11A1-related conditions. ClinVar contains an entry for this variant (Variation ID: 1313486). Invitae Evidence Modeling of protein sequence and biophysical properties (such as structural, functional, and spatial information, amino acid conservation, physicochemical variation, residue mobility, and thermodynamic stability) indicates that this missense variant is not expected to disrupt COL11A1 protein function with a negative predictive value of 80%. In summary, the available evidence is currently insufficient to determine the role of this variant in disease. Therefore, it has been classified as a Variant of Uncertain Significance.

Ambry Genetics
Classification: Uncertain significance for Inborn genetic diseases. Last evaluated: 2021-10-27. Review status: criteria provided, single submitter. Criteria: Ambry Variant Classification Scheme 2023. Collection method: clinical testing. Allele origin: germline.

NM_001854.4(COL11A1):c.4534A>G (p.Lys1512Glu)

Gene: COL11A1 (collagen type XI alpha 1 chain; minus strand). Cytogenetic location: 1p21.1.
Variant type: single nucleotide variant.
Coding change: c.4534A>G on transcript NM_001854.4 (MANE Select); coding-DNA position 4534, A replaced by G.
Protein change: p.Lys1512Glu; replaces lysine 1512 with glutamic acid.
Molecular consequence: missense variant. On other transcripts: non-coding transcript variant (1).
Genome position (GRCh38, 1-based): chr1:102,888,743, T>C on the plus strand (A>G on the coding strand, the complement: COL11A1 is on the minus strand). VCF-style: chr1-102888743-T-C. GRCh37 (hg19) VCF-style: chr1-103354299-T-C.
Other names: c.4417A>G, p.Lys1473Glu (NM_001190709.2); c.4570A>G, p.Lys1524Glu (NM_080629.3); c.4186A>G, p.Lys1396Glu (NM_080630.4); short protein forms K1396E, K1473E, K1512E, K1524E.
Identifiers: ClinVar variation 1313486 (VCV001313486.9), dbSNP rs1651341768, ClinGen allele CA341212421.